The following is an entry in ClinVar:

ClinVar aggregate classification (germline): Uncertain significance. Review status: criteria provided, single submitter (1 of 4 stars). 2 submissions from 2 submitters: Uncertain significance (1). 1 of the submissions does not count toward it. Last evaluated 2021-11-22.

Conditions:
Benign neonatal seizures. Also called: Benign familial neonatal seizures; Benign neonatal familial convulsions; Benign familial neonatal epilepsy; Convulsions benign familial neonatal dominant form; Autosomal dominant form of benign neonatal seizures. Identifiers: Orphanet 1949, MedGen C0220669, MONDO:0016027.
KCNQ3-related disorder. Also called: KCNQ3-related condition; KCNQ3-Related Disorders. Identifiers: MedGen CN381530.

Submissions (2):

Labcorp Genetics (formerly Invitae), Labcorp
Classification: Uncertain significance for Benign neonatal seizures. Last evaluated: 2021-11-22. Review status: criteria provided, single submitter. Criteria: Invitae Variant Classification Sherloc (09022015). Collection method: clinical testing. Allele origin: germline.
Comment: In summary, the available evidence is currently insufficient to determine the role of this variant in disease. Therefore, it has been classified as a Variant of Uncertain Significance. Advanced modeling of protein sequence and biophysical properties (such as structural, functional, and spatial information, amino acid conservation, physicochemical variation, residue mobility, and thermodynamic stability) performed at Invitae indicates that this missense variant is not expected to disrupt KCNQ3 protein function. This variant has not been reported in the literature in individuals affected with KCNQ3-related conditions. This variant is not present in population databases (gnomAD no frequency). This sequence change replaces glycine, which is neutral and non-polar, with cysteine, which is neutral and slightly polar, at codon 819 of the KCNQ3 protein (p.Gly819Cys).

PreventionGenetics, part of Exact Sciences
Classification: Uncertain significance for KCNQ3-related condition. Last evaluated: 2024-06-19. Review status: no assertion criteria provided. Collection method: clinical testing. Allele origin: germline. Not counted in ClinVar's aggregate classification.
Comment: The KCNQ3 c.2455G>T variant is predicted to result in the amino acid substitution p.Gly819Cys. To our knowledge, this variant has not been reported in the literature or in a large population database, indicating this variant is rare. At this time, the clinical significance of this variant is uncertain due to the absence of conclusive functional and genetic evidence.

NM_004519.4(KCNQ3):c.2455G>T (p.Gly819Cys)

Gene: KCNQ3 (potassium voltage-gated channel subfamily Q member 3; minus strand). Cytogenetic location: 8q24.22.
Variant type: single nucleotide variant.
Coding change: c.2455G>T on transcript NM_004519.4 (MANE Select); coding-DNA position 2455, G replaced by T.
Protein change: p.Gly819Cys; replaces glycine 819 with cysteine.
Molecular consequence: missense variant.
Genome position (GRCh38, 1-based): chr8:132,129,426, C>A on the plus strand (G>T on the coding strand, the complement: KCNQ3 is on the minus strand). VCF-style: chr8-132129426-C-A. GRCh37 (hg19) VCF-style: chr8-133141673-C-A.
Other names: c.2455G>T (NM_004519.3); c.2095G>T, p.Gly699Cys (NM_001204824.2); short protein forms G699C, G819C.
Identifiers: ClinVar variation 1352806 (VCV001352806.7), dbSNP rs540574784, ClinGen allele CA372215853.